The following is an entry in ClinVar:

NM_001243133.2(NLRP3):c.881G>A (p.Arg294Lys)

Gene: NLRP3 (NLR family pyrin domain containing 3; plus strand). Cytogenetic location: 1q44.
Variant type: single nucleotide variant.
Coding change: c.881G>A on transcript NM_001243133.2 (MANE Select); coding-DNA position 881, G replaced by A.
Protein change: p.Arg294Lys; replaces arginine 294 with lysine.
Molecular consequence: missense variant.
Genome position (GRCh38, 1-based): chr1:247,424,330, G>A. VCF-style: chr1-247424330-G-A. GRCh37 (hg19) VCF-style: chr1-247587632-G-A.
Other names: c.881G>A, p.Arg294Lys (NM_001079821.3, NM_001127461.3, NM_001127462.3 and 1 more transcripts); c.887G>A, p.Arg296Lys (NM_004895.5); short protein forms R296K, R294K.
Identifiers: ClinVar variation 837361 (VCV000837361.10), dbSNP rs1662697946, ClinGen allele CA345555632.

ClinVar aggregate classification (germline): Uncertain significance. Review status: criteria provided, multiple submitters, no conflicts (2 of 4 stars). 2 submissions from 2 submitters: Uncertain significance (2). Last evaluated 2026-01-06.

Conditions:
Cryopyrin associated periodic syndrome (CAPS). Identifiers: Orphanet 208650, MedGen C2316212, MONDO:0016168.
Familial amyloid nephropathy with urticaria AND deafness (MWS). Also called: MUCKLE-WELLS SYNDROME; Urticaria, deafness and amyloidosis; CRYOPYRIN-ASSOCIATED PERIODIC SYNDROME 2; UDA SYNDROME; URTICARIA-DEAFNESS-AMYLOIDOSIS SYNDROME. Identifiers: Orphanet 575, MedGen C0268390, MONDO:0008633, OMIM 191900.

Allele frequency attached by ClinVar (database versions not stated): gnomAD exomes 0.00001.
gnomAD v4.1: 4 of 1,611,672 alleles (0.00025%); highest among the groups gnomAD compares: Admixed American, 0.005%; no homozygotes.

Submissions (2):

3billion
Classification: Uncertain significance for Familial amyloid nephropathy with urticaria AND deafness. Last evaluated: 2026-01-06. Review status: criteria provided, single submitter. Criteria: ACMG Guidelines, 2015. Collection method: clinical testing. Allele origin: germline. Affected: yes.
Comment: The variant is observed at an extremely low frequency in the gnomAD v4.1.0 dataset (total allele frequency: <0.001%). Predicted Consequence/Location: Missense variant. Missense changes are a common disease-causing mechanism. In silico tool predictions suggest damaging effect of the variant on gene or gene product [REVEL: 0.26 (>=0.6, sensitivity 0.68 and specificity 0.92); 3Cnet: 0.99 (> 0.75, sensitivity 0.96 and precision 0.92)]. The variant has been reported as of uncertain significance (ClinVar ID: VCV000837361). Different missense changes at the same codon have been reported as of uncertain significance (ClinVar ID: VCV003583132). Therefore, this variant is classified as VUS according to the recommendation of ACMG/AMP guideline.

Labcorp Genetics (formerly Invitae), Labcorp
Classification: Uncertain significance for Cryopyrin associated periodic syndrome. Last evaluated: 2025-06-06. Review status: criteria provided, single submitter. Criteria: Invitae Variant Classification Sherloc (09022015). Collection method: clinical testing. Allele origin: germline.
Comment: This sequence change replaces arginine, which is basic and polar, with lysine, which is basic and polar, at codon 296 of the NLRP3 protein (p.Arg296Lys). This variant is not present in population databases (gnomAD no frequency). This variant has not been reported in the literature in individuals affected with NLRP3-related conditions. ClinVar contains an entry for this variant (Variation ID: 837361). An algorithm developed to predict the effect of missense changes on protein structure and function outputs the following: PolyPhen-2: "Benign". The lysine amino acid residue is found in multiple mammalian species, which suggests that this missense change does not adversely affect protein function. In summary, the available evidence is currently insufficient to determine the role of this variant in disease. Therefore, it has been classified as a Variant of Uncertain Significance.